The following is an entry in ClinVar:

ClinVar aggregate classification (germline): Conflicting classifications of pathogenicity. Review status: criteria provided, conflicting classifications (1 of 4 stars). 5 submissions from 5 submitters: Uncertain significance (4); Likely benign (1). Last evaluated 2024-09-01.

Conditions:
Pheochromocytoma. Also called: MAX-Related Hereditary Paraganglioma-Pheochromocytoma Syndrome. Identifiers: Orphanet 29072, MedGen C0031511, MONDO:0008233, OMIM 171300, HP:0002666.
Familial medullary thyroid carcinoma (MTC). Also called: Thyroid cancer, familial medullary; MTC, familial; Familial Medullary Thyroid Carcinoma (FMTC). Identifiers: Orphanet 653, Orphanet 99361, MedGen C1833921, MONDO:0007958, OMIM 155240.
Multiple endocrine neoplasia type 2B. Also called: Multiple endocrine neoplasia, type 3; MULTIPLE ENDOCRINE NEOPLASIA, TYPE IIB; MUCOSAL NEUROMA SYNDROME; MEN 2B; Multiple Endocrine Neoplasia Type 2B (MEN2B); MEN IIB. Identifiers: Orphanet 247709, Orphanet 653, MedGen C0025269, MeSH D018814, MONDO:0008082, OMIM 162300.
Multiple endocrine neoplasia type 2A. Also called: MULTIPLE ENDOCRINE NEOPLASIA, TYPE IIA; PTC SYNDROME; SIPPLE SYNDROME; MEN 2A; MEN-2A syndrome; Pheochromocytoma and amyloid producing medullary thyroid carcinoma. Identifiers: Orphanet 247698, Orphanet 653, MedGen C0025268, MeSH D018813, MONDO:0008234, OMIM 171400.
Hirschsprung disease, susceptibility to, 1 (HSCR1). Also called: RET-Related Hirschsprung Disease. Identifiers: Orphanet 388, MedGen C3888239, MONDO:0007723, OMIM 142623.
Multiple endocrine neoplasia, type 2 (MEN2). Identifiers: Orphanet 653, MedGen C4048306, MONDO:0019003. Disease mechanism: gain of function.
Hereditary cancer-predisposing syndrome. Also called: Neoplastic Syndromes, Hereditary; Hereditary Cancer Syndrome; Tumor predisposition; Hereditary neoplastic syndrome. Identifiers: Orphanet 140162, MedGen C0027672, MeSH D009386, MONDO:0015356.

Allele frequency attached by ClinVar (database versions not stated): TOPMed below 0.00001.
gnomAD v4.1: 7 of 1,599,280 alleles (0.00044%); highest among the groups gnomAD compares: Non-Finnish European, 0.0006%; no homozygotes.

Submissions (5):

Labcorp Genetics (formerly Invitae), Labcorp
Classification: Uncertain significance for Multiple endocrine neoplasia, type 2. Last evaluated: 2024-09-01. Review status: criteria provided, single submitter. Criteria: Invitae Variant Classification Sherloc (09022015). Collection method: clinical testing. Allele origin: germline.
Comment: This sequence change replaces methionine, which is neutral and non-polar, with valine, which is neutral and non-polar, at codon 484 of the RET protein (p.Met484Val). This variant is present in population databases (no rsID available, gnomAD 0.002%). This variant has not been reported in the literature in individuals affected with RET-related conditions. ClinVar contains an entry for this variant (Variation ID: 579366). An algorithm developed to predict the effect of missense changes on protein structure and function outputs the following: PolyPhen-2: "Benign". The valine amino acid residue is found in multiple mammalian species, which suggests that this missense change does not adversely affect protein function. In summary, the available evidence is currently insufficient to determine the role of this variant in disease. Therefore, it has been classified as a Variant of Uncertain Significance.

Fulgent Genetics
Classification: Uncertain significance for Hirschsprung disease, susceptibility to, 1; Familial medullary thyroid carcinoma; Multiple endocrine neoplasia type 2B; Pheochromocytoma; Multiple endocrine neoplasia type 2A. Last evaluated: 2024-05-27. Review status: criteria provided, single submitter. Criteria: ACMG Guidelines, 2015. Collection method: clinical testing. Allele origin: germline.

Ambry Genetics
Classification: Likely benign for Hereditary cancer-predisposing syndrome. Last evaluated: 2023-12-01. Review status: criteria provided, single submitter. Criteria: Ambry Variant Classification Scheme 2023. Collection method: clinical testing. Allele origin: germline.

Color Diagnostics, LLC DBA Color Health
Classification: Uncertain significance for Multiple endocrine neoplasia, type 2. Last evaluated: 2023-10-25. Review status: criteria provided, single submitter. Criteria: ACMG Guidelines, 2015. Collection method: clinical testing. Allele origin: germline.
Comment: This missense variant replaces methionine with valine at codon 484 of the RET protein. Computational prediction suggests that this variant may not impact protein structure and function. To our knowledge, functional studies have not been reported for this variant. This variant has not been reported in individuals affected with RET-related disorders in the literature. This variant has been identified in 2/251234 chromosomes in the general population by the Genome Aggregation Database (gnomAD). The available evidence is insufficient to determine the role of this variant in disease conclusively. Therefore, this variant is classified as a Variant of Uncertain Significance.

Blueprint Genetics
Classification: Uncertain significance. Last evaluated: 2019-04-17. Review status: criteria provided, single submitter. Criteria: ACMG Guidelines, 2015. Collection method: clinical testing. Allele origin: germline.

NM_020975.6(RET):c.1450A>G (p.Met484Val)

Gene: RET (ret proto-oncogene; plus strand). Cytogenetic location: 10q11.21.
Variant type: single nucleotide variant.
Coding change: c.1450A>G on transcript NM_020975.6 (MANE Select); coding-DNA position 1450, A replaced by G.
Protein change: p.Met484Val; replaces methionine 484 with valine.
Molecular consequence: missense variant.
Genome position (GRCh38, 1-based): chr10:43,111,393, A>G. VCF-style: chr10-43111393-A-G. GRCh37 (hg19) VCF-style: chr10-43606841-A-G.
Other names: c.1450A>G, p.Met484Val (NM_000323.2, NM_001406743.1, NM_001406744.1 and 6 more transcripts); c.688A>G, p.Met230Val (NM_001355216.2); c.1321A>G, p.Met441Val (NM_001406761.1, NM_001406762.1, NM_001406764.1 and 1 more transcripts); c.1162A>G, p.Met388Val (NM_001406766.1, NM_001406767.1, NM_001406770.1); c.1054A>G, p.Met352Val (NM_001406769.1, NM_001406772.1); c.1012A>G, p.Met338Val (NM_001406771.1, NM_001406773.1); c.925A>G, p.Met309Val (NM_001406774.1); c.724A>G, p.Met242Val (NM_001406775.1, NM_001406776.1, NM_001406777.1 and 1 more transcripts); and 1 more; short protein forms M484V, M230V, M154V, M242V, M309V, M338V, M388V, M441V.
Identifiers: ClinVar variation 579366 (VCV000579366.14), dbSNP rs755660496, ClinGen allele CA376549682.
Genomic context (GRCh38, chr10:43,111,393, plus strand): 5'-ATCCTGTTTGTGAATGACACCAAGGCCCTGCGGCGGCCCAAGTGTGCCGAACTTCACTAC[A>G]TGGTGGTGGCCACCGACCAGCAGACCTCTAGGCAGGCCCAGGCCCAGCTGCTTGTAACAG-3'
Protein context (NP_066124.1, residues 474-494): RRPKCAELHY[Met484Val]VVATDQQTSR